The following is an entry in ClinVar:

ClinVar aggregate classification (germline): Uncertain significance. Review status: criteria provided, multiple submitters, no conflicts (2 of 4 stars). 3 submissions from 3 submitters: Uncertain significance (3). Last evaluated 2026-03-08.

Conditions:
Familial adenomatous polyposis 1 (FAP1). Also called: FAMILIAL ADENOMATOUS POLYPOSIS 1, ATTENUATED; POLYPOSIS, ADENOMATOUS INTESTINAL. Identifiers: MedGen C2713442, MONDO:0021056, OMIM 175100. Disease mechanism: loss of function.
Hereditary cancer-predisposing syndrome. Also called: Tumor predisposition; Neoplastic Syndromes, Hereditary; Hereditary Cancer Syndrome; Hereditary neoplastic syndrome. Identifiers: Orphanet 140162, MedGen C0027672, MeSH D009386, MONDO:0015356.

Allele frequency attached by ClinVar (database versions not stated): ExAC 0.00001.
gnomAD v4.1: 1 of 1,613,982 alleles (0.000062%); highest among the groups gnomAD compares: Admixed American, 0.0017%; no homozygotes.

Submissions (3):

Ambry Genetics
Classification: Uncertain significance for Hereditary cancer-predisposing syndrome. Last evaluated: 2026-03-08. Review status: criteria provided, single submitter. Criteria: Ambry Variant Classification Scheme 2023. Collection method: clinical testing. Allele origin: germline.
Comment: The p.R2660I variant (also known as c.7979G>T), located in coding exon 15 of the APC gene, results from a G to T substitution at nucleotide position 7979. The arginine at codon 2660 is replaced by isoleucine, an amino acid with similar properties. This amino acid position is conserved. In addition, in silico predictors for this gene do not accurately predict pathogenicity. Based on the available evidence, the clinical significance of this variant remains unclear.

Quest Diagnostics Nichols Institute San Juan Capistrano
Classification: Uncertain significance. Last evaluated: 2025-10-14. Review status: criteria provided, single submitter. Criteria: Quest Diagnostics criteria. Collection method: clinical testing. Allele origin: unknown.
Comment: The APC c.7979G>T (p.Arg2660Ile) variant has not been reported in individuals with APC-related conditions in the published literature. The frequency of this variant in the general population (Genome Aggregation Database) is uninformative in the assessment of its pathogenicity. Analysis of this variant using bioinformatics tools for the prediction of the effect of amino acid changes on protein structure and function yielded predictions that this variant is benign. Based on the available information, we are unable to determine the clinical significance of this variant.

Labcorp Genetics (formerly Invitae), Labcorp
Classification: Uncertain significance for Familial adenomatous polyposis 1. Last evaluated: 2025-07-21. Review status: criteria provided, single submitter. Criteria: Invitae Variant Classification Sherloc (09022015). Collection method: clinical testing. Allele origin: germline.
Comment: This sequence change replaces arginine, which is basic and polar, with isoleucine, which is neutral and non-polar, at codon 2660 of the APC protein (p.Arg2660Ile). This variant is present in population databases (rs775012353, gnomAD 0.003%). This variant has not been reported in the literature in individuals affected with APC-related conditions. ClinVar contains an entry for this variant (Variation ID: 2914999). Invitae Evidence Modeling of protein sequence and biophysical properties (such as structural, functional, and spatial information, amino acid conservation, physicochemical variation, residue mobility, and thermodynamic stability) indicates that this missense variant is not expected to disrupt APC protein function with a negative predictive value of 95%. In summary, the available evidence is currently insufficient to determine the role of this variant in disease. Therefore, it has been classified as a Variant of Uncertain Significance.

NM_000038.6(APC):c.7979G>T (p.Arg2660Ile)

Gene: APC (APC regulator of Wnt signaling pathway; plus strand). Cytogenetic location: 5q22.2.
Variant type: single nucleotide variant.
Coding change: c.7979G>T on transcript NM_000038.6 (MANE Select); coding-DNA position 7979, G replaced by T.
Protein change: p.Arg2660Ile; replaces arginine 2660 with isoleucine.
Molecular consequence: missense variant. On other transcripts: non-coding transcript variant (2).
Genome position (GRCh38, 1-based): chr5:112,843,573, G>T. VCF-style: chr5-112843573-G-T. GRCh37 (hg19) VCF-style: chr5-112179270-G-T.
Other names: c.7925G>T, p.Arg2642Ile (NM_001127511.3); c.7979G>T, p.Arg2660Ile (NM_001354895.2, NM_001407450.1, NM_001127510.3); c.8033G>T, p.Arg2678Ile (NM_001354896.2, NM_001407447.1, NM_001407448.1 and 1 more transcripts); c.8009G>T, p.Arg2670Ile (NM_001354897.2); c.7904G>T, p.Arg2635Ile (NM_001354898.2); c.7895G>T, p.Arg2632Ile (NM_001354899.2); c.7856G>T, p.Arg2619Ile (NM_001354900.2); c.7802G>T, p.Arg2601Ile (NM_001354901.2, NM_001407453.1); and 12 more; short protein forms R2377I, R2577I, R2619I, R2660I, R2670I, R2642I, R2678I, R2688I.
Identifiers: ClinVar variation 2914999 (VCV002914999.5), dbSNP rs775012353, ClinGen allele CA049562.